The following is an entry in ClinVar:

NM_001292063.2(OTOG):c.2331C>T (p.Cys777=)

Gene: OTOG (otogelin; plus strand). Cytogenetic location: 11p15.1.
Variant type: single nucleotide variant.
Coding change: c.2331C>T on transcript NM_001292063.2 (MANE Select); coding-DNA position 2331, C replaced by T.
Protein change: p.Cys777=; no amino-acid change (cysteine 777 retained).
Molecular consequence: synonymous variant.
Genome position (GRCh38, 1-based): chr11:17,574,757, C>T. VCF-style: chr11-17574757-C-T. GRCh37 (hg19) VCF-style: chr11-17596304-C-T.
Other names: c.2367C>T, p.Cys789= (NM_001277269.2).
Identifiers: ClinVar variation 512699 (VCV000512699.19), dbSNP rs147247967, ClinGen allele CA5905612.

ClinVar aggregate classification (germline): Benign/Likely benign. Review status: criteria provided, multiple submitters, no conflicts (2 of 4 stars). 4 submissions from 4 submitters: Benign (2); Likely benign (2). Last evaluated 2025-06-12.

Allele frequency attached by ClinVar (database versions not stated): gnomAD 0.00011 and 0.00036; TOPMed 0.00015; gnomAD exomes 0.00070 and 0.00160; 1000 Genomes Project 30x 0.00109; 1000 Genomes Project 0.00140; ExAC 0.00408.
gnomAD v4.1: 1,043 of 1,550,612 alleles (0.067%); highest among the groups gnomAD compares: South Asian, 0.96%; 22 homozygotes.

Submissions (4):

Labcorp Genetics (formerly Invitae), Labcorp
Classification: Benign. Last evaluated: 2025-06-12. Review status: criteria provided, single submitter. Criteria: Invitae Variant Classification Sherloc (09022015). Collection method: clinical testing. Allele origin: germline.

CeGaT Center for Human Genetics Tuebingen
Classification: Likely benign. Last evaluated: 2025-03-01. Review status: criteria provided, single submitter. Criteria: CeGaT Center For Human Genetics Tuebingen Variant Classification Criteria Version 2. Collection method: clinical testing. Allele origin: germline. Affected: yes. Observed: 1 variant allele.
Comment: OTOG: BP4, BP7, BS2

Blueprint Genetics
Classification: Likely benign. Last evaluated: 2024-10-23. Review status: criteria provided, single submitter. Criteria: ACMG Guidelines, 2015. Collection method: clinical testing. Allele origin: germline.

GeneDx
Classification: Benign. Last evaluated: 2019-02-18. Review status: criteria provided, single submitter. Criteria: GeneDx Variant Classification Process June 2021. Collection method: clinical testing. Allele origin: germline. Affected: yes.